The following is an entry in ClinVar:

NM_002294.3(LAMP2):c.235_243delinsGTGG (p.Cys79fs)

Gene: LAMP2 (lysosome associated membrane protein 2; minus strand). Cytogenetic location: Xq24.
Variant type: Indel.
Coding change: c.235_243delinsGTGG on transcript NM_002294.3 (MANE Select); coding-DNA positions 235 to 243, TGTGGGGAT replaced by GTGG.
Protein change: p.Cys79fs; shifts the reading frame from cysteine 79.
Molecular consequence: frameshift variant.
Genome position (GRCh38, 1-based): chrX:120,455,511-120,455,519, ATCCCCACA replaced by CCAC on the plus strand (TGTGGGGAT replaced by GTGG on the coding strand, the reverse complement: LAMP2 is on the minus strand). VCF-style: chrX-120455511-ATCCCCACA-CCAC. GRCh37 (hg19) VCF-style: chrX-119589366-ATCCCCACA-CCAC.
Other names: c.235_243delinsGTGG, p.Cys79fs (NM_001122606.1, NM_013995.2); short protein forms C79fs.
Identifiers: ClinVar variation 965577 (VCV000965577.5), dbSNP rs1921053197, ClinGen allele CA1139667765.

ClinVar aggregate classification (germline): Pathogenic (1 of 4 stars; one submission).

Conditions:
Danon disease. Also called: Glycogen Storage Disease Type IIb; ANTOPOL DISEASE; PSEUDOGLYCOGENOSIS II; GSD IIb; LYSOSOMAL GLYCOGEN STORAGE DISEASE WITHOUT ACID MALTASE DEFICIENCY. Identifiers: Orphanet 34587, MedGen C0878677, MONDO:0010281, OMIM 300257.

Submission:

Labcorp Genetics (formerly Invitae), Labcorp
Classification: Pathogenic for Danon disease. Last evaluated: 2019-11-05. Review status: criteria provided, single submitter. Criteria: Invitae Variant Classification Sherloc (09022015). Collection method: clinical testing. Allele origin: germline.
Comment: For these reasons, this variant has been classified as Pathogenic. Loss-of-function variants in LAMP2 are known to be pathogenic (PMID: 21415759). This variant has not been reported in the literature in individuals with LAMP2-related conditions. This variant is not present in population databases (ExAC no frequency). This sequence change creates a premature translational stop signal (p.Cys79Valfs*32) in the LAMP2 gene. It is expected to result in an absent or disrupted protein product.

Literature cited by the submitters: PubMed 21415759.